The following is an entry in ClinVar:

NM_001267550.2(TTN):c.97900G>A (p.Gly32634Ser)

Genes: TTN (titin; minus strand), TTN-AS1 (TTN antisense RNA 1; plus strand). Cytogenetic location: 2q31.2.
Variant type: single nucleotide variant.
Coding change: c.97900G>A on transcript NM_001267550.2 (MANE Select); coding-DNA position 97900, G replaced by A.
Protein change: p.Gly32634Ser; replaces glycine 32634 with serine.
Molecular consequence: missense variant.
Genome position (GRCh38, 1-based): chr2:178,540,266, C>T on the plus strand (G>A on the coding strand, the complement: TTN is on the minus strand). VCF-style: chr2-178540266-C-T. GRCh37 (hg19) VCF-style: chr2-179404993-C-T.
Other names: c.92977G>A, p.Gly30993Ser (NM_001256850.1); c.70705G>A, p.Gly23569Ser (NM_003319.4); c.90196G>A, p.Gly30066Ser (NM_133378.4); c.71080G>A, p.Gly23694Ser (NM_133432.3); c.71281G>A, p.Gly23761Ser (NM_133437.4); short protein forms G23569S, G30993S, G23761S, G32634S, G23694S, G30066S.
Identifiers: ClinVar variation 931298 (VCV000931298.5), dbSNP rs1693772565, ClinGen allele CA349436031.
Genomic context (GRCh38, chr2:178,540,266, plus strand): 5'-GAGTGGTGTTACACTTGGTCCATTCATGTTGATCTACTTTTTGCATTTCAATCAAGTAGC[C>T]TGTGACTTTAGATCCTCCTTCATCTTCTGGAACACTCCAGGCCAGGGAGACTGATGTCCT-3'
Protein context (NP_001254479.2, residues 32624-32644): PEDEGGSKVT[Gly32634Ser]YLIEMQKVDQ

ClinVar aggregate classification (germline): Uncertain significance. Review status: criteria provided, multiple submitters, no conflicts (2 of 4 stars). 2 submissions from 2 submitters: Uncertain significance (2). Last evaluated 2020-01-29.

Conditions:
Tibial muscular dystrophy (TMD). Also called: UDD MYOPATHY; Udd Distal Myopathy – Tibial Muscular Dystrophy; Tibial muscular dystrophy, tardive. Identifiers: Orphanet 609, MedGen C1838244, MONDO:0010870, OMIM 600334.
Cardiovascular phenotype. Identifiers: MedGen CN230736.

Submissions (2):

Centre for Mendelian Genomics, University Medical Centre Ljubljana
Classification: Uncertain significance for Tibial muscular dystrophy. Last evaluated: 2020-01-29. Review status: criteria provided, single submitter. Criteria: ACMG Guidelines, 2015. Collection method: clinical testing. Allele origin: unknown. Affected: yes.
Comment: This variant was classified as: Uncertain significance. The available evidence on this variant's pathogenicity is insufficient or conflicting. The following ACMG criteria were applied in classifying this variant: PM2,PP3,BP1.

Ambry Genetics
Classification: Uncertain significance for Cardiovascular phenotype. Last evaluated: 2018-07-27. Review status: criteria provided, single submitter. Criteria: Ambry Variant Classification Scheme 2023. Collection method: clinical testing. Allele origin: germline.
Comment: The p.G23569S variant (also known as c.70705G>A), located in coding exon 178 of the TTN gene, results from a G to A substitution at nucleotide position 70705. The glycine at codon 23569 is replaced by serine, an amino acid with similar properties. This amino acid position is highly conserved in available vertebrate species. In addition, this alteration is predicted to be tolerated by in silico analysis. Since supporting evidence is limited at this time, the clinical significance of this alteration remains unclear.